The following is an entry in ClinVar:

NM_000264.5(PTCH1):c.3996C>T (p.Gly1332=)

Gene: PTCH1 (patched 1; minus strand). Cytogenetic location: 9q22.32.
Variant type: single nucleotide variant.
Coding change: c.3996C>T on transcript NM_000264.5 (MANE Select); coding-DNA position 3996, C replaced by T.
Protein change: p.Gly1332=; no amino-acid change (glycine 1332 retained).
Molecular consequence: synonymous variant. On other transcripts: non-coding transcript variant (1).
Genome position (GRCh38, 1-based): chr9:95,447,260, G>A on the plus strand (C>T on the coding strand, the complement: PTCH1 is on the minus strand). VCF-style: chr9-95447260-G-A. GRCh37 (hg19) VCF-style: chr9-98209542-G-A.
Other names: c.3798C>T, p.Gly1266= (NM_001083602.3); c.3993C>T, p.Gly1331= (NM_001083603.3); c.3543C>T, p.Gly1181= (NM_001083604.3, NM_001083605.3, NM_001083606.3 and 1 more transcripts); c.3840C>T, p.Gly1280= (NM_001354918.2).
Identifiers: ClinVar variation 1155618 (VCV001155618.12), dbSNP rs1343640252, ClinGen allele CA466351531.
Genomic context (GRCh38, chr9:95,447,260, plus strand): 5'-TGGGTTCCGAGGGTTGTGAGAACGGGCCCCGCGAGGGCCCCAGCGGGCCCTATTGCTAGG[G>A]CCAGAATGCCCTTCAGTAGAAATTTCAAAAGCGTCTCTGCGCGGTCTGTAGGGGGGTGGC-3'
Protein context (NP_000255.2, residues 1322-1342): AFEISTEGHS[Gly1332=]PSNRARWGPR

ClinVar aggregate classification (germline): Likely benign. Review status: criteria provided, multiple submitters, no conflicts (2 of 4 stars). 3 submissions from 3 submitters: Likely benign (3). Last evaluated 2025-12-24.

Conditions:
Gorlin syndrome. Also called: Nevoid Basal Cell Carcinoma Syndrome; Basal cell nevus syndrome. Identifiers: Orphanet 377, MedGen C0004779, MONDO:0007187.
PTCH1-related disorder. Also called: PTCH1-related disorders; PTCH1-related condition.
Hereditary cancer-predisposing syndrome. Also called: Hereditary neoplastic syndrome; Hereditary Cancer Syndrome; Tumor predisposition; Neoplastic Syndromes, Hereditary. Identifiers: Orphanet 140162, MedGen C0027672, MeSH D009386, MONDO:0015356.

Allele frequency attached by ClinVar (database versions not stated): gnomAD exomes below 0.00001; gnomAD 0.00002; TOPMed 0.00002.
gnomAD v4.1: 4 of 1,612,866 alleles (0.00025%); highest among the groups gnomAD compares: Admixed American, 0.0033%; no homozygotes.

Submissions (3):

Labcorp Genetics (formerly Invitae), Labcorp
Classification: Likely benign for Gorlin syndrome. Last evaluated: 2025-12-24. Review status: criteria provided, single submitter. Criteria: Invitae Variant Classification Sherloc (09022015). Collection method: clinical testing. Allele origin: germline.

PreventionGenetics, part of Exact Sciences
Classification: Likely benign for PTCH1-related condition. Last evaluated: 2025-03-26. Review status: criteria provided, single submitter. Criteria: ACMG Guidelines, 2015. Collection method: clinical testing. Allele origin: germline.
Comment: This variant is classified as likely benign based on ACMG/AMP sequence variant interpretation guidelines (Richards et al. 2015 PMID: 25741868, with internal and published modifications).

Ambry Genetics
Classification: Likely benign for Hereditary cancer-predisposing syndrome. Last evaluated: 2017-10-09. Review status: criteria provided, single submitter. Criteria: Ambry Variant Classification Scheme 2023. Collection method: clinical testing. Allele origin: germline.